The following is an entry in ClinVar:

ClinVar aggregate classification (germline): Uncertain significance. Review status: criteria provided, multiple submitters, no conflicts (2 of 4 stars). 2 submissions from 2 submitters: Uncertain significance (2). Last evaluated 2025-11-17.

Conditions:
Hereditary cancer-predisposing syndrome. Also called: Neoplastic Syndromes, Hereditary; Tumor predisposition; Hereditary neoplastic syndrome; Hereditary Cancer Syndrome. Identifiers: Orphanet 140162, MedGen C0027672, MeSH D009386, MONDO:0015356.
Parathyroid carcinoma (PRTC). Also called: CDC73-Related Parathyroid Carcinoma; Parathyroid gland carcinoma. Identifiers: Orphanet 143, MedGen C0687150, MONDO:0012004, OMIM 608266, HP:0006780.

Allele frequency attached by ClinVar (database versions not stated): gnomAD exomes below 0.00001.
gnomAD v4.1: 2 of 1,613,544 alleles (0.00012%); highest among the groups gnomAD compares: Non-Finnish European, 0.00017%; no homozygotes.

Submissions (2):

Ambry Genetics
Classification: Uncertain significance for Hereditary cancer-predisposing syndrome. Last evaluated: 2025-11-17. Review status: criteria provided, single submitter. Criteria: Ambry Variant Classification Scheme 2023. Collection method: clinical testing. Allele origin: germline.
Comment: The p.A112T variant (also known as c.334G>A), located in coding exon 4 of the CDC73 gene, results from a G to A substitution at nucleotide position 334. The alanine at codon 112 is replaced by threonine, an amino acid with similar properties. This amino acid position is highly conserved in available vertebrate species. In addition, the in silico prediction for this alteration is inconclusive. Since supporting evidence is limited at this time, the clinical significance of this alteration remains unclear.

Labcorp Genetics (formerly Invitae), Labcorp
Classification: Uncertain significance for Parathyroid carcinoma. Last evaluated: 2025-08-11. Review status: criteria provided, single submitter. Criteria: Invitae Variant Classification Sherloc (09022015). Collection method: clinical testing. Allele origin: germline.
Comment: This sequence change replaces alanine, which is neutral and non-polar, with threonine, which is neutral and polar, at codon 112 of the CDC73 protein (p.Ala112Thr). This variant is not present in population databases (gnomAD no frequency). This variant has not been reported in the literature in individuals affected with CDC73-related conditions. ClinVar contains an entry for this variant (Variation ID: 823646). Invitae Evidence Modeling of protein sequence and biophysical properties (such as structural, functional, and spatial information, amino acid conservation, physicochemical variation, residue mobility, and thermodynamic stability) has been performed for this missense variant. However, the output from this modeling did not meet the statistical confidence thresholds required to predict the impact of this variant on CDC73 protein function. In summary, the available evidence is currently insufficient to determine the role of this variant in disease. Therefore, it has been classified as a Variant of Uncertain Significance.

NM_024529.5(CDC73):c.334G>A (p.Ala112Thr)

Gene: CDC73 (cell division cycle 73; plus strand). Cytogenetic location: 1q31.2.
Variant type: single nucleotide variant.
Coding change: c.334G>A on transcript NM_024529.5 (MANE Select); coding-DNA position 334, G replaced by A.
Protein change: p.Ala112Thr; replaces alanine 112 with threonine.
Molecular consequence: missense variant.
Genome position (GRCh38, 1-based): chr1:193,135,417, G>A. VCF-style: chr1-193135417-G-A. GRCh37 (hg19) VCF-style: chr1-193104547-G-A.
Other names: short protein forms A112T.
Identifiers: ClinVar variation 823646 (VCV000823646.6), dbSNP rs952579366, ClinGen allele CA34369324.